The following is an entry in ClinVar:

ClinVar aggregate classification (germline): Likely pathogenic (1 of 4 stars; one submission).

Conditions:
Bartter disease type 4B. Also called: Bartter syndrome, type 4b, digenic; BARTTER SYNDROME, TYPE 4B, NEONATAL, WITH SENSORINEURAL DEAFNESS; BARTTER SYNDROME, TYPE 4B. Identifiers: Orphanet 112, MedGen C4310805, MONDO:0000909, OMIM 613090.

gnomAD v4.1: 612 of 1,612,114 alleles (0.038%); highest among the groups gnomAD compares: Non-Finnish European, 0.05%; 1 homozygote.

Submission:

Rare Kidney Stone Consortium and the Mayo Clinic Hyperoxaluria Center, Mayo Clinic
Classification: Likely pathogenic for Bartter disease type 4B. Last evaluated: 2025-10-03. Review status: criteria provided, single submitter. Criteria: ACMG Guidelines, 2015. Collection method: research. Allele origin: germline. Observed: 1 variant allele.
Comment: ACMG:PVS1, PM2, PP3, PP5

Literature cited by the submitters: PubMed 40794449.

NM_004070.4(CLCNKA):c.1801C>T (p.Gln601Ter)

Genes: CLCNKA (chloride voltage-gated channel Ka; plus strand), LOC106501712 (CLCNKA recombination region; plus strand). Cytogenetic location: 1p36.13.
Variant type: single nucleotide variant.
Coding change: c.1801C>T on transcript NM_004070.4 (MANE Select); coding-DNA position 1801, C replaced by T.
Protein change: p.Gln601Ter; replaces glutamine 601 with a stop codon.
Molecular consequence: nonsense.
Genome position (GRCh38, 1-based): chr1:16,032,247, C>T. VCF-style: chr1-16032247-C-T. GRCh37 (hg19) VCF-style: chr1-16358742-C-T.
Other names: c.1801C>T, p.Gln601Ter (NM_001042704.2); c.1672C>T, p.Gln558Ter (NM_001257139.2); short protein forms Q558*, Q601*.
Identifiers: ClinVar variation 4526849 (VCV004526849.1), dbSNP rs373187796.